The following is an entry in ClinVar:

ClinVar aggregate classification (germline): Conflicting classifications of pathogenicity. Review status: criteria provided, conflicting classifications (1 of 4 stars). 2 submissions from 2 submitters: Uncertain significance (1); Likely benign (1). Last evaluated 2025-09-27.

Conditions:
Inborn genetic diseases. Identifiers: MedGen C0950123, MeSH D030342.

Allele frequency attached by ClinVar (database versions not stated): ExAC 0.00002; gnomAD exomes 0.00004; ESP Exome Variant Server 0.00008; 1000 Genomes Project 0.00040; 1000 Genomes Project 30x 0.00047.

Submissions (2):

Labcorp Genetics (formerly Invitae), Labcorp
Classification: Uncertain significance. Last evaluated: 2025-09-27. Review status: criteria provided, single submitter. Criteria: Invitae Variant Classification Sherloc (09022015). Collection method: clinical testing. Allele origin: germline.
Comment: This sequence change replaces arginine, which is basic and polar, with cysteine, which is neutral and slightly polar, at codon 209 of the FAM111A protein (p.Arg209Cys). This variant is present in population databases (rs187676082, gnomAD 0.03%). This variant has not been reported in the literature in individuals affected with FAM111A-related conditions. ClinVar contains an entry for this variant (Variation ID: 2166496). Invitae Evidence Modeling of protein sequence and biophysical properties (such as structural, functional, and spatial information, amino acid conservation, physicochemical variation, residue mobility, and thermodynamic stability) indicates that this missense variant is not expected to disrupt FAM111A protein function with a negative predictive value of 80%. In summary, the available evidence is currently insufficient to determine the role of this variant in disease. Therefore, it has been classified as a Variant of Uncertain Significance.

Ambry Genetics
Classification: Likely benign for Inborn genetic diseases. Last evaluated: 2024-07-03. Review status: criteria provided, single submitter. Criteria: Ambry Variant Classification Scheme 2023. Collection method: clinical testing. Allele origin: germline.

NM_001312909.2(FAM111A):c.625C>T (p.Arg209Cys)

Gene: FAM111A (FAM111 trypsin like peptidase A; plus strand). Cytogenetic location: 11q12.1.
Variant type: single nucleotide variant.
Coding change: c.625C>T on transcript NM_001312909.2 (MANE Select); coding-DNA position 625, C replaced by T.
Protein change: p.Arg209Cys; replaces arginine 209 with cysteine.
Molecular consequence: missense variant.
Genome position (GRCh38, 1-based): chr11:59,152,293, C>T. VCF-style: chr11-59152293-C-T. GRCh37 (hg19) VCF-style: chr11-58919766-C-T.
Other names: c.625C>T (NM_001142520.1); c.625C>T, p.Arg209Cys (NM_001142519.3, NM_001142520.3, NM_001142521.3 and 29 more transcripts); short protein forms R209C.
Identifiers: ClinVar variation 2166496 (VCV002166496.5), dbSNP rs187676082, ClinGen allele CA6016610.